The following is an entry in ClinVar:

ClinVar aggregate classification (germline): Uncertain significance (1 of 4 stars; one submission).

Conditions:
Cardiovascular phenotype. Identifiers: MedGen CN230736.

gnomAD v4.1: 5 of 1,614,138 alleles (0.00031%); highest among the groups gnomAD compares: South Asian, 0.0055%; no homozygotes.

Submission:

Ambry Genetics
Classification: Uncertain significance for Cardiovascular phenotype. Last evaluated: 2024-05-26. Review status: criteria provided, single submitter. Criteria: Ambry Variant Classification Scheme 2023. Collection method: clinical testing. Allele origin: germline.
Comment: The p.R261T variant (also known as c.782G>C), located in coding exon 7 of the PRDM5 gene, results from a G to C substitution at nucleotide position 782. The arginine at codon 261 is replaced by threonine, an amino acid with similar properties. This amino acid position is conserved. In addition, this alteration is predicted to be tolerated by in silico analysis. Based on the available evidence, the clinical significance of this variant remains unclear.

NM_018699.4(PRDM5):c.782G>C (p.Arg261Thr)

Gene: PRDM5 (PR/SET domain 5; minus strand). Cytogenetic location: 4q27.
Variant type: single nucleotide variant.
Coding change: c.782G>C on transcript NM_018699.4 (MANE Select); coding-DNA position 782, G replaced by C.
Protein change: p.Arg261Thr; replaces arginine 261 with threonine.
Molecular consequence: missense variant.
Genome position (GRCh38, 1-based): chr4:120,816,536, C>G on the plus strand (G>C on the coding strand, the complement: PRDM5 is on the minus strand). VCF-style: chr4-120816536-C-G. GRCh37 (hg19) VCF-style: chr4-121737691-C-G.
Other names: c.689G>C, p.Arg230Thr (NM_001300823.2, NM_001300824.2, NM_001379106.1); c.782G>C, p.Arg261Thr (NM_001379104.1); short protein forms R261T, R230T.
Identifiers: ClinVar variation 3309810 (VCV003309810.1).